The following is an entry in ClinVar:

NM_001378454.1(ALMS1):c.4763G>T (p.Gly1588Val)

Gene: ALMS1 (ALMS1 centrosome and basal body associated protein; plus strand). Cytogenetic location: 2p13.1.
Variant type: single nucleotide variant.
Coding change: c.4763G>T on transcript NM_001378454.1 (MANE Select); coding-DNA position 4763, G replaced by T.
Protein change: p.Gly1588Val; replaces glycine 1588 with valine.
Molecular consequence: missense variant.
Genome position (GRCh38, 1-based): chr2:73,451,290, G>T. VCF-style: chr2-73451290-G-T. GRCh37 (hg19) VCF-style: chr2-73678417-G-T.
Other names: c.4766G>T, p.Gly1589Val (NM_015120.4); short protein forms G1588V, G1589V.
Identifiers: ClinVar variation 2983833 (VCV002983833.3), dbSNP rs1671932416, ClinGen allele CA347279217.

ClinVar aggregate classification (germline): Uncertain significance (1 of 4 stars; one submission).

Conditions:
Alstrom syndrome (ALMS). Identifiers: Orphanet 64, MedGen C0268425, MONDO:0008763, OMIM 203800.

Allele frequency attached by ClinVar (database versions not stated): TOPMed below 0.00001.

Submission:

Labcorp Genetics (formerly Invitae), Labcorp
Classification: Uncertain significance for Alstrom syndrome. Last evaluated: 2025-12-03. Review status: criteria provided, single submitter. Criteria: Invitae Variant Classification Sherloc (09022015). Collection method: clinical testing. Allele origin: germline.
Comment: This sequence change replaces glycine, which is neutral and non-polar, with valine, which is neutral and non-polar, at codon 1589 of the ALMS1 protein (p.Gly1589Val). This variant is not present in population databases (gnomAD no frequency). This variant has not been reported in the literature in individuals affected with ALMS1-related conditions. ClinVar contains an entry for this variant (Variation ID: 2983833). Experimental studies and prediction algorithms are not available or were not evaluated, and the functional significance of this variant is currently unknown. In summary, the available evidence is currently insufficient to determine the role of this variant in disease. Therefore, it has been classified as a Variant of Uncertain Significance.